The following is an entry in ClinVar:

ClinVar aggregate classification (germline): Uncertain significance (1 of 4 stars; one submission).

Conditions:
Acromesomelic dysplasia 1, Maroteaux type (AMD1). Also called: ST. HELENA DYSPLASIA; ACROMESOMELIC DYSPLASIA 1. Identifiers: Orphanet 40, MedGen C1864356, MONDO:0011275, OMIM 602875.
Tall stature-scoliosis-macrodactyly of the great toes syndrome. Also called: Epiphyseal chondrodysplasia, miura type. Identifiers: Orphanet 329191, MedGen C4014690, MONDO:0014401, OMIM 615923.

gnomAD v4.1: 1 of 1,614,084 alleles (0.000062%); highest among the groups gnomAD compares: Non-Finnish European, 0.000085%; no homozygotes.

Submission:

Labcorp Genetics (formerly Invitae), Labcorp
Classification: Uncertain significance for Tall stature-scoliosis-macrodactyly of the great toes syndrome; Acromesomelic dysplasia 1, Maroteaux type. Last evaluated: 2024-06-24. Review status: criteria provided, single submitter. Criteria: Invitae Variant Classification Sherloc (09022015). Collection method: clinical testing. Allele origin: germline.
Comment: This sequence change replaces asparagine, which is neutral and polar, with serine, which is neutral and polar, at codon 649 of the NPR2 protein (p.Asn649Ser). This variant is not present in population databases (gnomAD no frequency). This variant has not been reported in the literature in individuals affected with NPR2-related conditions. Advanced modeling of protein sequence and biophysical properties (such as structural, functional, and spatial information, amino acid conservation, physicochemical variation, residue mobility, and thermodynamic stability) performed at Invitae indicates that this missense variant is not expected to disrupt NPR2 protein function with a negative predictive value of 80%. In summary, the available evidence is currently insufficient to determine the role of this variant in disease. Therefore, it has been classified as a Variant of Uncertain Significance.

NM_003995.4(NPR2):c.1946A>G (p.Asn649Ser)

Gene: NPR2 (natriuretic peptide receptor 2; plus strand). Cytogenetic location: 9p13.3.
Variant type: single nucleotide variant.
Coding change: c.1946A>G on transcript NM_003995.4 (MANE Select); coding-DNA position 1946, A replaced by G.
Protein change: p.Asn649Ser; replaces asparagine 649 with serine.
Molecular consequence: missense variant.
Genome position (GRCh38, 1-based): chr9:35,805,569, A>G. VCF-style: chr9-35805569-A-G. GRCh37 (hg19) VCF-style: chr9-35805566-A-G.
Other names: c.1955A>G, p.Asn652Ser (NM_001378923.1); short protein forms N649S, N652S.
Identifiers: ClinVar variation 3763108 (VCV003763108.2).